The following is an entry in ClinVar:

ClinVar aggregate classification (germline): Uncertain significance (1 of 4 stars; one submission).

Submission:

Quest Diagnostics Nichols Institute San Juan Capistrano
Classification: Uncertain significance. Last evaluated: 2025-07-31. Review status: criteria provided, single submitter. Criteria: Quest Diagnostics criteria. Collection method: clinical testing. Allele origin: unknown.
Comment: The GALNT12 c.1458+3A>G variant has not been reported in individuals with GALNT12-related conditions in the published literature. This variant also has not been reported in large, multi-ethnic general populations (Genome Aggregation Database). Analysis of this variant using software algorithms for the prediction of the effect of nucleotide changes on GALNT12 mRNA splicing yielded inconclusive findings. Based on the available information, we are unable to determine the clinical significance of this variant.

NM_024642.5(GALNT12):c.1458+3A>G

Gene: GALNT12 (polypeptide N-acetylgalactosaminyltransferase 12; plus strand). Cytogenetic location: 9q22.33.
Variant type: single nucleotide variant.
Coding change: c.1458+3A>G on transcript NM_024642.5 (MANE Select); 3 bases into the intron after coding-DNA position 1458, A replaced by G.
Molecular consequence: intron variant.
Genome position (GRCh38, 1-based): chr9:98,844,212, A>G. VCF-style: chr9-98844212-A-G. GRCh37 (hg19) VCF-style: chr9-101606494-A-G.
Identifiers: ClinVar variation 4533147 (VCV004533147.1).